The following is an entry in ClinVar:

NM_002439.5(MSH3):c.238-3T>A

Gene: MSH3 (mutS homolog 3; plus strand). Cytogenetic location: 5q14.1.
Variant type: single nucleotide variant.
Coding change: c.238-3T>A on transcript NM_002439.5 (MANE Select); 3 bases into the intron before coding-DNA position 238, T replaced by A.
Molecular consequence: intron variant.
Genome position (GRCh38, 1-based): chr5:80,656,408, T>A. VCF-style: chr5-80656408-T-A. GRCh37 (hg19) VCF-style: chr5-79952227-T-A.
Identifiers: ClinVar variation 958840 (VCV000958840.9), dbSNP rs369066480, ClinGen allele CA1139658922.

ClinVar aggregate classification (germline): Uncertain significance (1 of 4 stars; one submission).

Submission:

Labcorp Genetics (formerly Invitae), Labcorp
Classification: Uncertain significance. Last evaluated: 2020-12-04. Review status: criteria provided, single submitter. Criteria: Invitae Variant Classification Sherloc (09022015). Collection method: clinical testing. Allele origin: germline.
Comment: In summary, the available evidence is currently insufficient to determine the role of this variant in disease. Therefore, it has been classified as a Variant of Uncertain Significance. Nucleotide substitutions within the consensus splice site are a relatively common cause of aberrant splicing (PMID: 17576681, 9536098). Algorithms developed to predict the effect of sequence changes on RNA splicing suggest that this variant may disrupt the consensus splice site, but this prediction has not been confirmed by published transcriptional studies. This variant has not been reported in the literature in individuals with MSH3-related conditions. This variant is not present in population databases (ExAC no frequency). This sequence change falls in intron 1 of the MSH3 gene. It does not directly change the encoded amino acid sequence of the MSH3 protein, but it affects a nucleotide within the consensus splice site of the intron.

Literature cited by the submitters: PubMed 17576681; PubMed 9536098.